The following is an entry in ClinVar:

NM_001384732.1(CPLANE1):c.6860G>A (p.Ser2287Asn)

Gene: CPLANE1 (ciliogenesis and planar polarity effector complex subunit 1; minus strand). Cytogenetic location: 5p13.2.
Variant type: single nucleotide variant.
Coding change: c.6860G>A on transcript NM_001384732.1 (MANE Select); coding-DNA position 6860, G replaced by A.
Protein change: p.Ser2287Asn; replaces serine 2287 with asparagine.
Molecular consequence: missense variant.
Genome position (GRCh38, 1-based): chr5:37,169,164, C>T on the plus strand (G>A on the coding strand, the complement: CPLANE1 is on the minus strand). VCF-style: chr5-37169164-C-T. GRCh37 (hg19) VCF-style: chr5-37169266-C-T.
Other names: c.6860G>A, p.Ser2287Asn (NM_023073.4); short protein forms S2287N.
Identifiers: ClinVar variation 670050 (VCV000670050.22), dbSNP rs147451628, ClinGen allele CA3238177.

ClinVar aggregate classification (germline): Benign/Likely benign. Review status: criteria provided, multiple submitters, no conflicts (2 of 4 stars). 6 submissions from 6 submitters: Benign (4); Likely benign (2). Last evaluated 2026-01-29.

Conditions:
Joubert syndrome 17 (JBTS17). Identifiers: Orphanet 475, MedGen C3553264, MONDO:0013824, OMIM 614615.

Allele frequency attached by ClinVar (database versions not stated): gnomAD 0.00039 and 0.00061; gnomAD exomes 0.00041 and 0.00156; TOPMed 0.00087; ExAC 0.00135; 1000 Genomes Project 30x 0.00437; 1000 Genomes Project 0.00499.
gnomAD v4.1: 704 of 1,614,118 alleles (0.044%); highest among the groups gnomAD compares: East Asian, 1.5%; 5 homozygotes.

Submissions (6):

Labcorp Genetics (formerly Invitae), Labcorp
Classification: Benign. Last evaluated: 2026-01-29. Review status: criteria provided, single submitter. Criteria: Invitae Variant Classification Sherloc (09022015). Collection method: clinical testing. Allele origin: germline.

CeGaT Center for Human Genetics Tuebingen
Classification: Likely benign. Last evaluated: 2025-12-01. Review status: criteria provided, single submitter. Criteria: CeGaT Center For Human Genetics Tuebingen Variant Classification Criteria Version 2. Collection method: clinical testing. Allele origin: germline. Affected: yes. Observed: 1 variant allele.
Comment: CPLANE1: BP4, BS1

Blueprint Genetics
Classification: Likely benign. Last evaluated: 2024-11-08. Review status: criteria provided, single submitter. Criteria: ACMG Guidelines, 2015. Collection method: clinical testing. Allele origin: germline.

GeneDx
Classification: Benign. Last evaluated: 2018-03-23. Review status: criteria provided, single submitter. Criteria: GeneDx Variant Classification (06012015). Collection method: clinical testing. Allele origin: germline. Affected: yes.
Comment: This variant is considered likely benign or benign based on one or more of the following criteria: it is a conservative change, it occurs at a poorly conserved position in the protein, it is predicted to be benign by multiple in silico algorithms, and/or has population frequency not consistent with disease.

Illumina Laboratory Services, Illumina
Classification: Benign for Joubert syndrome 17. Last evaluated: 2017-07-22. Review status: criteria provided, single submitter. Criteria: ICSL Variant Classification Criteria 13 December 2019. Collection method: clinical testing. Allele origin: germline.
Comment: This variant was observed as part of a predisposition screen in an ostensibly healthy population. A literature search was performed for the gene, cDNA change, and amino acid change (where applicable). No publications were found based on this search. Allele frequency data from public databases was too high to be consistent with this variant causing disease. Therefore, this variant is classified as benign.

Breakthrough Genomics
Classification: Benign. Review status: criteria provided, single submitter. Criteria: ACMG Guidelines, 2015. Collection method: not provided. Allele origin: germline. Inheritance: Autosomal recessive inheritance. Affected: yes.